The following is an entry in ClinVar:

NM_000169.3(GLA):c.1088del (p.Arg363fs)

Genes: GLA (galactosidase alpha; minus strand), RPL36A-HNRNPH2 (RPL36A-HNRNPH2 readthrough; plus strand). Cytogenetic location: Xq22.1.
Variant type: Deletion.
Coding change: c.1088del on transcript NM_000169.3 (MANE Select); coding-DNA position 1088, one base deleted (G; older notation c.1088delG).
Protein change: p.Arg363fs; shifts the reading frame from arginine 363.
Molecular consequence: frameshift variant. On other transcripts: non-coding transcript variant (3), intron variant (2).
Genome position (GRCh38, 1-based): chrX:101,398,011, C deleted on the plus strand (G on the coding strand, the reverse complement: GLA is on the minus strand). VCF-style (leftmost placement, unchanged base first): chrX-101398010-GC-G. GRCh37 (hg19) VCF-style: chrX-100652998-GC-G.
Other names: c.1211del, p.Arg404fs (NM_001406747.1); c.300+2554del (NM_001199973.2); c.177+6189del (NM_001199974.2); short protein forms R363fs, R404fs.
Identifiers: ClinVar variation 4087056 (VCV004087056.2).

ClinVar aggregate classification (germline): Pathogenic (1 of 4 stars; one submission).

Conditions:
Fabry disease. Also called: ALPHA-GALACTOSIDASE A DEFICIENCY; ANDERSON-FABRY DISEASE; CERAMIDE TRIHEXOSIDASE DEFICIENCY; GLA DEFICIENCY; HEREDITARY DYSTOPIC LIPIDOSIS; Angiokeratoma corporis diffusum. Identifiers: Orphanet 324, MedGen C0002986, MONDO:0010526, OMIM 301500, HP:0001071. Disease mechanism: Fabry disease is due to inactivating mutations in the X-linked GLA gene resulting in deficiency of the enzyme Alpha Galactosidase-A., loss of function.

Submission:

Genomenon, Inc
Classification: Pathogenic for Fabry disease. Last evaluated: 2026-09-08. Review status: criteria provided, single submitter. Criteria: Genomenon Sequence Variant Interpretation Standards - Updated. Collection method: curation. Allele origin: germline. Affected: yes.
Comment: GLA p.Arg363ProfsTer28 (c.1088del) is a frameshift variant that is predicted to introduce a premature termination codon and result in a truncated or absent protein product. This variant has been observed in at least one proband with clinical features consistent with Fabry disease (PMID:17187618;20576773;8875188). Functional or patient cell studies have been reported (PMID:17187618). It is absent or not present at a significant frequency in gnomAD. In conclusion, we classify GLA p.Arg363ProfsTer28 (c.1088del) as a pathogenic variant.

Literature cited by the submitters: PubMed 17187618; PubMed 20576773; PubMed 8875188.